The following is an entry in ClinVar:

NM_003072.5(SMARCA4):c.2033A>T (p.Gln678Leu)

Gene: SMARCA4 (SWI/SNF related BAF chromatin remodeling complex subunit ATPase 4; plus strand). Cytogenetic location: 19p13.2.
Variant type: single nucleotide variant.
Coding change: c.2033A>T on transcript NM_003072.5 (MANE Select); coding-DNA position 2033, A replaced by T.
Protein change: p.Gln678Leu; replaces glutamine 678 with leucine.
Molecular consequence: missense variant. On other transcripts: non-coding transcript variant (1).
Genome position (GRCh38, 1-based): chr19:11,007,933, A>T. VCF-style: chr19-11007933-A-T. GRCh37 (hg19) VCF-style: chr19-11118609-A-T.
Other names: c.2033A>T, p.Gln678Leu (NM_001128844.3, NM_001128845.2, NM_001128846.2 and 6 more transcripts); short protein forms Q678L.
Identifiers: ClinVar variation 1715755 (VCV001715755.8), dbSNP rs2146190933, ClinGen allele CA404052434.

ClinVar aggregate classification (germline): Uncertain significance. Review status: criteria provided, multiple submitters, no conflicts (2 of 4 stars). 2 submissions from 2 submitters: Uncertain significance (2). Last evaluated 2022-07-26.

Conditions:
Hereditary cancer-predisposing syndrome. Also called: Neoplastic Syndromes, Hereditary; Tumor predisposition; Hereditary Cancer Syndrome; Hereditary neoplastic syndrome. Identifiers: Orphanet 140162, MedGen C0027672, MeSH D009386, MONDO:0015356.
Rhabdoid tumor predisposition syndrome 2 (RTPS2). Identifiers: Orphanet 231108, Orphanet 69077, MedGen C2750074, MONDO:0013224, OMIM 613325.

Submissions (2):

Labcorp Genetics (formerly Invitae), Labcorp
Classification: Uncertain significance for Rhabdoid tumor predisposition syndrome 2. Last evaluated: 2022-07-26. Review status: criteria provided, single submitter. Criteria: Invitae Variant Classification Sherloc (09022015). Collection method: clinical testing. Allele origin: germline.
Comment: In summary, the available evidence is currently insufficient to determine the role of this variant in disease. Therefore, it has been classified as a Variant of Uncertain Significance. Algorithms developed to predict the effect of missense changes on protein structure and function (SIFT, PolyPhen-2, Align-GVGD) all suggest that this variant is likely to be tolerated. This variant has not been reported in the literature in individuals affected with SMARCA4-related conditions. This variant is not present in population databases (gnomAD no frequency). This sequence change replaces glutamine, which is neutral and polar, with leucine, which is neutral and non-polar, at codon 678 of the SMARCA4 protein (p.Gln678Leu).

Ambry Genetics
Classification: Uncertain significance for Hereditary cancer-predisposing syndrome. Last evaluated: 2020-11-30. Review status: criteria provided, single submitter. Criteria: Ambry Variant Classification Scheme 2023. Collection method: clinical testing. Allele origin: germline.
Comment: The p.Q678L variant (also known as c.2033A>T), located in coding exon 13 of the SMARCA4 gene, results from an A to T substitution at nucleotide position 2033. The glutamine at codon 678 is replaced by leucine, an amino acid with dissimilar properties. This amino acid position is not well conserved in available vertebrate species. In addition, the in silico prediction for this alteration is inconclusive. Since supporting evidence is limited at this time, the clinical significance of this alteration remains unclear.